The following is an entry in ClinVar:

NM_000142.5(FGFR3):c.970C>T (p.Leu324Phe)

Gene: FGFR3 (fibroblast growth factor receptor 3; plus strand). Cytogenetic location: 4p16.3.
Variant type: single nucleotide variant.
Coding change: c.970C>T on transcript NM_000142.5 (MANE Select); coding-DNA position 970, C replaced by T.
Protein change: p.Leu324Phe; replaces leucine 324 with phenylalanine.
Molecular consequence: missense variant. On other transcripts: non-coding transcript variant (1), intron variant (2).
Genome position (GRCh38, 1-based): chr4:1,803,731, C>T. VCF-style: chr4-1803731-C-T. GRCh37 (hg19) VCF-style: chr4-1805458-C-T.
Other names: c.970C>T, p.Leu324Phe (NM_001354809.2, NM_001354810.2); c.1082-599C>T (NM_001163213.2); c.931-1093C>T (NM_022965.4); short protein forms L324F.
Identifiers: ClinVar variation 2629996 (VCV002629996.1), dbSNP rs587778816, ClinGen allele CA355978200.

ClinVar aggregate classification (germline): Uncertain significance (1 of 4 stars; one submission).

Conditions:
FGFR3-related disorder. Also called: FGFR3-related disorders.

Submission:

PreventionGenetics, part of Exact Sciences
Classification: Uncertain significance for FGFR3-related condition. Last evaluated: 2023-01-23. Review status: criteria provided, single submitter. Criteria: ACMG Guidelines, 2015. Collection method: clinical testing. Allele origin: germline.
Comment: The FGFR3 c.970C>T variant is predicted to result in the amino acid substitution p.Leu324Phe. To our knowledge, this variant has not been reported in the literature or in a large population database, indicating it is rare. Two different missense variants affecting the same amino acid (p. Leu324His and p. Leu324Val) have been reported in individuals with hypochondroplasia (Nagahara et al. 2016. PubMed ID: 27507911; Saito et al. 2012. PubMed ID: 22302603). At this time, the clinical significance of the c.970C>T (p.Leu324Phe) variant is uncertain due to the absence of conclusive functional and genetic evidence.